The following is an entry in ClinVar:

NM_000245.4(MET):c.3968A>T (p.Lys1323Ile)

Gene: MET (MET proto-oncogene, receptor tyrosine kinase; plus strand). Cytogenetic location: 7q31.2.
Variant type: single nucleotide variant.
Coding change: c.3968A>T on transcript NM_000245.4 (MANE Select); coding-DNA position 3968, A replaced by T.
Protein change: p.Lys1323Ile; replaces lysine 1323 with isoleucine.
Molecular consequence: missense variant.
Genome position (GRCh38, 1-based): chr7:116,795,919, A>T. VCF-style: chr7-116795919-A-T. GRCh37 (hg19) VCF-style: chr7-116435973-A-T.
Other names: c.4022A>T, p.Lys1341Ile (NM_001127500.3); c.2678A>T, p.Lys893Ile (NM_001324402.2); short protein forms K1341I, K1323I, K893I.
Identifiers: ClinVar variation 3707194 (VCV003707194.2).

ClinVar aggregate classification (germline): Uncertain significance (1 of 4 stars; one submission).

Conditions:
Renal cell carcinoma. Identifiers: Orphanet 217071, MedGen C0007134, MeSH D002292, MONDO:0005086, HP:0005584.

Submission:

Labcorp Genetics (formerly Invitae), Labcorp
Classification: Uncertain significance for Renal cell carcinoma. Last evaluated: 2024-05-02. Review status: criteria provided, single submitter. Criteria: Invitae Variant Classification Sherloc (09022015). Collection method: clinical testing. Allele origin: germline.
Comment: This sequence change replaces lysine, which is basic and polar, with isoleucine, which is neutral and non-polar, at codon 1341 of the MET protein (p.Lys1341Ile). This variant is not present in population databases (gnomAD no frequency). This variant has not been reported in the literature in individuals affected with MET-related conditions. Advanced modeling of protein sequence and biophysical properties (such as structural, functional, and spatial information, amino acid conservation, physicochemical variation, residue mobility, and thermodynamic stability) has been performed at Invitae for this missense variant, however the output from this modeling did not meet the statistical confidence thresholds required to predict the impact of this variant on MET protein function. In summary, the available evidence is currently insufficient to determine the role of this variant in disease. Therefore, it has been classified as a Variant of Uncertain Significance.